The following is an entry in ClinVar:

ClinVar aggregate classification (germline): Benign. Review status: criteria provided, multiple submitters, no conflicts (2 of 4 stars). 3 submissions from 3 submitters: Benign (3). Last evaluated 2026-01-17.

Allele frequency attached by ClinVar (database versions not stated): gnomAD 0.00902 and 0.00953; 1000 Genomes Project 0.00919; TOPMed 0.01002; 1000 Genomes Project 30x 0.01015; ESP Exome Variant Server 0.01146.
gnomAD v4.1: 2,699 of 1,614,166 alleles (0.17%); highest among the groups gnomAD compares: African/African-American, 3.2%; 50 homozygotes.

Submissions (3):

Labcorp Genetics (formerly Invitae), Labcorp
Classification: Benign. Last evaluated: 2026-01-17. Review status: criteria provided, single submitter. Criteria: Invitae Variant Classification Sherloc (09022015). Collection method: clinical testing. Allele origin: germline.

Mayo Clinic Laboratories, Mayo Clinic
Classification: Benign. Last evaluated: 2023-02-01. Review status: criteria provided, single submitter. Criteria: ACMG Guidelines, 2015. Collection method: clinical testing. Allele origin: germline. Observed: 5 variant alleles.
Comment: BS1, BS2

Breakthrough Genomics
Classification: Benign. Review status: criteria provided, single submitter. Criteria: ACMG Guidelines, 2015. Collection method: not provided. Allele origin: germline. Inheritance: Autosomal recessive inheritance. Affected: yes.

NM_005559.4(LAMA1):c.434C>T (p.Thr145Met)

Gene: LAMA1 (laminin subunit alpha 1; minus strand). Cytogenetic location: 18p11.31.
Variant type: single nucleotide variant.
Coding change: c.434C>T on transcript NM_005559.4 (MANE Select); coding-DNA position 434, C replaced by T.
Protein change: p.Thr145Met; replaces threonine 145 with methionine.
Molecular consequence: missense variant.
Genome position (GRCh38, 1-based): chr18:7,050,848, G>A on the plus strand (C>T on the coding strand, the complement: LAMA1 is on the minus strand). VCF-style: chr18-7050848-G-A. GRCh37 (hg19) VCF-style: chr18-7050847-G-A.
Other names: p.Thr145Met; short protein forms T145M.
Identifiers: ClinVar variation 786335 (VCV000786335.12), dbSNP rs77811721, ClinGen allele CA8883296.